The following is an entry in ClinVar:

ClinVar aggregate classification (germline): Benign/Likely benign. Review status: criteria provided, multiple submitters, no conflicts (2 of 4 stars). 2 submissions from 2 submitters: Benign (1); Likely benign (1). Last evaluated 2025-07-03.

Conditions:
Colorectal cancer, susceptibility to, 12 (CRCS12). Also called: COLORECTAL CANCER, SUSCEPTIBILITY TO, ON CHROMOSOME 12q24. Identifiers: Orphanet 220460, MedGen C3554460, MONDO:0014038, OMIM 615083.

Submissions (2):

Labcorp Genetics (formerly Invitae), Labcorp
Classification: Likely benign. Last evaluated: 2025-07-03. Review status: criteria provided, single submitter. Criteria: Invitae Variant Classification Sherloc (09022015). Collection method: clinical testing. Allele origin: germline.

Myriad Genetics, Inc.
Classification: Benign for Colorectal cancer, susceptibility to, 12. Last evaluated: 2025-02-10. Review status: criteria provided, single submitter. Criteria: Myriad Autosomal Dominant, Autosomal Recessive and X-Linked Classification Criteria (2023). Collection method: clinical testing. Allele origin: unknown.
Comment: This variant is considered benign. This variant is a silent/synonymous amino acid change and it is not expected to impact splicing.

NM_006231.4(POLE):c.1095C>T (p.Asp365=)

Gene: POLE (DNA polymerase epsilon, catalytic subunit; minus strand). Cytogenetic location: 12q24.33.
Variant type: single nucleotide variant.
Coding change: c.1095C>T on transcript NM_006231.4 (MANE Select); coding-DNA position 1095, C replaced by T.
Protein change: p.Asp365=; no amino-acid change (aspartic acid 365 retained).
Molecular consequence: synonymous variant.
Genome position (GRCh38, 1-based): chr12:132,675,746, G>A on the plus strand (C>T on the coding strand, the complement: POLE is on the minus strand). VCF-style: chr12-132675746-G-A. GRCh37 (hg19) VCF-style: chr12-133252332-G-A.
Identifiers: ClinVar variation 2016068 (VCV002016068.5), dbSNP rs1264569768, ClinGen allele CA482849718.